The following is an entry in ClinVar:

NM_001105247.2(ARMC5):c.294G>T (p.Ser98=)

Genes: ARMC5 (armadillo repeat containing 5; plus strand), LOC130058906 (ATAC-STARR-seq lymphoblastoid silent region 7419; plus strand). Cytogenetic location: 16p11.2.
Variant type: single nucleotide variant.
Coding change: c.294G>T on transcript NM_001105247.2 (MANE Select); coding-DNA position 294, G replaced by T.
Protein change: p.Ser98=; no amino-acid change (serine 98 retained).
Molecular consequence: synonymous variant.
Genome position (GRCh38, 1-based): chr16:31,459,818, G>T. VCF-style: chr16-31459818-G-T. GRCh37 (hg19) VCF-style: chr16-31471139-G-T.
Other names: c.579G>T, p.Ser193= (NM_001288767.2); c.390G>T, p.Ser130= (NM_001301820.1); c.294G>T, p.Ser98= (NM_024742.2); c.579G>T (NM_001288767.1).
Identifiers: ClinVar variation 715819 (VCV000715819.6), dbSNP rs372292806, ClinGen allele CA8029398.
Genomic context (GRCh38, chr16:31,459,818, plus strand): 5'-TGCAGCGGGTTCCGCCCCGTCCCAGGCAGGCCCCGGCTCCGCCCCCTCGTCGGCCGCGTC[G>T]GGAGCTTCTAGCCCCGCCCCCGCGTCGGGCCCCGCCCCCTCCGCTGTGTCGTCGTCTAGT-3'
Protein context (NP_001098717.1, residues 88-108): GPGSAPSSAA[Ser98=]GASSPAPASG

ClinVar aggregate classification (germline): Benign/Likely benign. Review status: criteria provided, multiple submitters, no conflicts (2 of 4 stars). 3 submissions from 3 submitters: Benign (1); Likely benign (2). Last evaluated 2026-08-04.

Conditions:
ARMC5-related disorder. Also called: ARMC5-related condition.

Allele frequency attached by ClinVar (database versions not stated): gnomAD 0.00062 and 0.00065; TOPMed 0.00068; ExAC 0.00115; 1000 Genomes Project 0.00020; ESP Exome Variant Server 0.00060.
gnomAD v4.1: 2,071 of 1,548,976 alleles (0.13%); highest among the groups gnomAD compares: Non-Finnish European, 0.17%; no homozygotes.

Submissions (3):

PreventionGenetics, part of Exact Sciences
Classification: Likely benign for ARMC5-related condition. Last evaluated: 2026-08-04. Review status: criteria provided, single submitter. Criteria: ACMG Guidelines, 2015. Collection method: clinical testing. Allele origin: germline.
Comment: This variant is classified as likely benign based on ACMG/AMP sequence variant interpretation guidelines (Richards et al. 2015 PMID: 25741868, with internal and published modifications).

Blueprint Genetics
Classification: Likely benign. Last evaluated: 2024-10-11. Review status: criteria provided, single submitter. Criteria: ACMG Guidelines, 2015. Collection method: clinical testing. Allele origin: germline.

Labcorp Genetics (formerly Invitae), Labcorp
Classification: Benign. Last evaluated: 2019-12-31. Review status: criteria provided, single submitter. Criteria: Invitae Variant Classification Sherloc (09022015). Collection method: clinical testing. Allele origin: germline.